The following is an entry in ClinVar:

ClinVar aggregate classification (germline): Uncertain significance (1 of 4 stars; one submission).

Conditions:
Hereditary cancer-predisposing syndrome. Also called: Neoplastic Syndromes, Hereditary; Tumor predisposition; Hereditary neoplastic syndrome; Hereditary Cancer Syndrome. Identifiers: Orphanet 140162, MedGen C0027672, MeSH D009386, MONDO:0015356.

gnomAD v4.1: 1 of 1,614,210 alleles (0.000062%); highest among the groups gnomAD compares: Non-Finnish European, 0.000085%; no homozygotes.

Submission:

Ambry Genetics
Classification: Uncertain significance for Hereditary cancer-predisposing syndrome. Last evaluated: 2024-05-01. Review status: criteria provided, single submitter. Criteria: Ambry Variant Classification Scheme 2023. Collection method: clinical testing. Allele origin: germline.
Comment: The p.K335E variant (also known as c.1003A>G), located in coding exon 8 of the SDHA gene, results from an A to G substitution at nucleotide position 1003. The lysine at codon 335 is replaced by glutamic acid, an amino acid with similar properties. This amino acid position is highly conserved in available vertebrate species. In addition, this alteration is predicted to be deleterious by in silico analysis. Based on the available evidence, the clinical significance of this variant remains unclear.

NM_004168.4(SDHA):c.1003A>G (p.Lys335Glu)

Gene: SDHA (succinate dehydrogenase complex flavoprotein subunit A; plus strand). Cytogenetic location: 5p15.33.
Variant type: single nucleotide variant.
Coding change: c.1003A>G on transcript NM_004168.4 (MANE Select); coding-DNA position 1003, A replaced by G.
Protein change: p.Lys335Glu; replaces lysine 335 with glutamic acid.
Molecular consequence: missense variant.
Genome position (GRCh38, 1-based): chr5:233,584, A>G. VCF-style: chr5-233584-A-G. GRCh37 (hg19) VCF-style: chr5-233699-A-G.
Other names: c.859A>G, p.Lys287Glu (NM_001294332.2); c.1003A>G, p.Lys335Glu (NM_001330758.2); short protein forms K335E, K287E.
Identifiers: ClinVar variation 3316822 (VCV003316822.1).